The following is an entry in ClinVar:

NM_177438.3(DICER1):c.2348A>G (p.Asp783Gly)

Gene: DICER1 (dicer 1, ribonuclease III; minus strand). Cytogenetic location: 14q32.13.
Variant type: single nucleotide variant.
Coding change: c.2348A>G on transcript NM_177438.3 (MANE Select); coding-DNA position 2348, A replaced by G.
Protein change: p.Asp783Gly; replaces aspartic acid 783 with glycine.
Molecular consequence: missense variant. On other transcripts: non-coding transcript variant (6).
Genome position (GRCh38, 1-based): chr14:95,108,412, T>C on the plus strand (A>G on the coding strand, the complement: DICER1 is on the minus strand). VCF-style: chr14-95108412-T-C. GRCh37 (hg19) VCF-style: chr14-95574749-T-C.
Other names: c.2348A>G, p.Asp783Gly (NM_001195573.1, NM_001271282.3, NM_001291628.2 and 13 more transcripts); c.2066A>G, p.Asp689Gly (NM_001395686.1); c.1943A>G, p.Asp648Gly (NM_001395687.1, NM_001395688.1, NM_001395689.1 and 2 more transcripts); c.1781A>G, p.Asp594Gly (NM_001395691.1); c.665A>G, p.Asp222Gly (NM_001395697.1); short protein forms D594G, D689G, D648G, D783G, D222G.
Identifiers: ClinVar variation 3018591 (VCV003018591.1), dbSNP rs2542854545, ClinGen allele CA390882240.
Genomic context (GRCh38, chr14:95,108,412, plus strand): 5'-CCAAAGCATCTTGTGGTATCTTCAGGAGGATAGAGCTTCCGCCTTCTAAAGTTGAGTTCA[T>C]CAGGTAAAGGTGTAGTTAAAACCATTCCTATCACATACAGGTAACAGGGCTGATCAGGTC-3'
Protein context (NP_803187.1, residues 773-793): IGMVLTTPLP[Asp783Gly]ELNFRRRKLY

ClinVar aggregate classification (germline): Uncertain significance (1 of 4 stars; one submission).

Conditions:
DICER1-related tumor predisposition. Also called: DICER1 syndrome; DICER1-related pleuropulmonary blastoma cancer predisposition syndrome. Identifiers: Orphanet 284343, MedGen C3839822, MONDO:0100216.

Submission:

Labcorp Genetics (formerly Invitae), Labcorp
Classification: Uncertain significance for DICER1-related tumor predisposition. Last evaluated: 2023-07-25. Review status: criteria provided, single submitter. Criteria: Invitae Variant Classification Sherloc (09022015). Collection method: clinical testing. Allele origin: germline.
Comment: In summary, the available evidence is currently insufficient to determine the role of this variant in disease. Therefore, it has been classified as a Variant of Uncertain Significance. Advanced modeling of protein sequence and biophysical properties (such as structural, functional, and spatial information, amino acid conservation, physicochemical variation, residue mobility, and thermodynamic stability) performed at Invitae indicates that this missense variant is not expected to disrupt DICER1 protein function. This variant has not been reported in the literature in individuals affected with DICER1-related conditions. This variant is not present in population databases (gnomAD no frequency). This sequence change replaces aspartic acid, which is acidic and polar, with glycine, which is neutral and non-polar, at codon 783 of the DICER1 protein (p.Asp783Gly).